The following is an entry in ClinVar:

ClinVar aggregate classification (germline): Uncertain significance. Review status: criteria provided, multiple submitters, no conflicts (2 of 4 stars). 3 submissions from 3 submitters: Uncertain significance (2). 1 of the submissions does not count toward it. Last evaluated 2025-12-29.

Conditions:
Anauxetic dysplasia. Identifiers: Orphanet 93347, MedGen C1846796, MONDO:0011773.
Metaphyseal chondrodysplasia, McKusick type (CHH). Also called: Cartilage-Hair Hypoplasia (CHH); Cartilage-hair hypoplasia. Identifiers: Orphanet 175, MedGen C0220748, MONDO:0009595, OMIM 250250.

Allele frequency attached by ClinVar (database versions not stated): gnomAD 0.00002; gnomAD exomes 0.00003; TOPMed 0.00004.
gnomAD v4.1: 12 of 697,560 alleles (0.0017%); highest among the groups gnomAD compares: Admixed American, 0.008%; no homozygotes.

Submissions (3):

Center for Genomic Medicine, Rigshospitalet, Copenhagen University Hospital
Classification: Uncertain significance. Last evaluated: 2025-12-29. Review status: criteria provided, single submitter. Criteria: ACMG Guidelines, 2015. Collection method: clinical testing. Allele origin: germline.
Comment: Classification criteria: PM2_supporting, (PM3) (PP4_mod)

Labcorp Genetics (formerly Invitae), Labcorp
Classification: Uncertain significance for Anauxetic dysplasia. Last evaluated: 2022-07-19. Review status: criteria provided, single submitter. Criteria: Invitae Variant Classification Sherloc (09022015). Collection method: clinical testing. Allele origin: germline.
Comment: This variant occurs in the RMRP gene, which encodes an RNA molecule that does not result in a protein product. This variant is present in population databases (no rsID available, gnomAD 0.01%). This variant has been observed in individual(s) with clinical features of cartilage-hair hypoplasia-anauxetic dysplasia (Invitae). In at least one individual the data is consistent with being in trans (on the opposite chromosome) from a pathogenic variant. ClinVar contains an entry for this variant (Variation ID: 640557). Experimental studies and prediction algorithms are not available or were not evaluated, and the functional significance of this variant is currently unknown. In summary, the available evidence is currently insufficient to determine the role of this variant in disease. Therefore, it has been classified as a Variant of Uncertain Significance.

Natera, Inc.
Classification: Uncertain significance for Cartilage-hair hypoplasia. Last evaluated: 2020-07-27. Review status: no assertion criteria provided. Collection method: clinical testing. Allele origin: germline. Not counted in ClinVar's aggregate classification.

NR_003051.4(RMRP):n.233G>A

Gene: RMRP (RNA component of mitochondrial RNA processing endoribonuclease; minus strand). Cytogenetic location: 9p13.3.
Variant type: single nucleotide variant.
Genome position: GRCh38 VCF-style: chr9-35657787-C-T. GRCh37 (hg19) VCF-style: chr9-35657784-C-T.
Identifiers: ClinVar variation 640557 (VCV000640557.6), dbSNP rs774897161, ClinGen allele CA464450384.